The following is an entry in ClinVar:

ClinVar aggregate classification (germline): Pathogenic. Review status: reviewed by expert panel (3 of 4 stars). 3 submissions from 3 submitters: Pathogenic (1). 2 of the submissions do not count toward it. Last evaluated 2016-09-08.

Conditions:
Breast-ovarian cancer, familial, susceptibility to, 2 (BROVCA2). Also called: BRCA2 Hereditary Breast and Ovarian Cancer. Identifiers: Orphanet 145, MedGen C2675520, MONDO:0012933, OMIM 612555. Disease mechanism: loss of function.

Submissions (3):

Evidence-based Network for the Interpretation of Germline Mutant Alleles (ENIGMA)
Classification: Pathogenic for Breast-ovarian cancer, familial, susceptibility to, 2. Last evaluated: 2016-09-08. Review status: reviewed by expert panel. Criteria: ENIGMA BRCA1/2 Classification Criteria (2015). Collection method: curation. Allele origin: germline.
Comment: Variant allele predicted to encode a truncated non-functional protein.

Consortium of Investigators of Modifiers of BRCA1/2 (CIMBA), c/o University of Cambridge
Classification: Pathogenic for Breast-ovarian cancer, familial, susceptibility to, 2. Last evaluated: 2015-10-02. Review status: criteria provided, single submitter. Criteria: CIMBA Mutation Classification guidelines May 2016. Collection method: clinical testing. Allele origin: germline. Not counted in ClinVar's aggregate classification.

Breast Cancer Information Core (BIC) (BRCA2)
Classification: Pathogenic for Breast-ovarian cancer, familial 2. Last evaluated: 1999-06-22. Review status: no assertion criteria provided. Collection method: clinical testing. Allele origin: germline. Affected: yes. Observed: 1 variant allele. Not counted in ClinVar's aggregate classification.

NM_000059.4(BRCA2):c.3354del (p.Glu1119fs)

Gene: BRCA2 (BRCA2 DNA repair associated; plus strand). Cytogenetic location: 13q13.1.
Variant type: Deletion.
Coding change: c.3354del on transcript NM_000059.4 (MANE Select); coding-DNA position 3354, one base deleted (A; older notation c.3354delA).
Protein change: p.Glu1119fs; shifts the reading frame from glutamic acid 1119.
Molecular consequence: frameshift variant.
Genome position (GRCh38, 1-based): chr13:32,337,709, A deleted. VCF-style (leftmost placement, unchanged base first): chr13-32337708-TA-T. GRCh37 (hg19) VCF-style: chr13-32911845-TA-T.
Other names: 3582delA; c.3354delA (NM_000059.3).
Identifiers: ClinVar variation 51452 (VCV000051452.5), dbSNP rs80359384, ClinGen allele CA017848.